The following is an entry in ClinVar:

ClinVar aggregate classification (germline): Uncertain significance (1 of 4 stars; one submission).

Submission:

Labcorp Genetics (formerly Invitae), Labcorp
Classification: Uncertain significance. Last evaluated: 2025-04-23. Review status: criteria provided, single submitter. Criteria: Invitae Variant Classification Sherloc (09022015). Collection method: clinical testing. Allele origin: germline.
Comment: This sequence change replaces serine, which is neutral and polar, with arginine, which is basic and polar, at codon 219 of the OR2W3 protein (p.Ser219Arg). This variant is present in population databases (no rsID available, gnomAD 0.0009%). This variant has not been reported in the literature in individuals affected with OR2W3-related conditions. An algorithm developed to predict the effect of missense changes on protein structure and function (PolyPhen-2) suggests that this variant is likely to be tolerated. In summary, the available evidence is currently insufficient to determine the role of this variant in disease. Therefore, it has been classified as a Variant of Uncertain Significance.

NM_001001957.2(OR2W3):c.657C>G (p.Ser219Arg)

Gene: OR2W3 (olfactory receptor family 2 subfamily W member 3; plus strand). Cytogenetic location: 1q44.
Variant type: single nucleotide variant.
Coding change: c.657C>G on transcript NM_001001957.2 (MANE Select); coding-DNA position 657, C replaced by G.
Protein change: p.Ser219Arg; replaces serine 219 with arginine.
Molecular consequence: missense variant.
Genome position (GRCh38, 1-based): chr1:247,896,243, C>G. VCF-style: chr1-247896243-C-G. GRCh37 (hg19) VCF-style: chr1-248059545-C-G.
Other names: short protein forms S219R.
Identifiers: ClinVar variation 4696519 (VCV004696519.1).